The following is an entry in ClinVar:

NC_000003.11:g.(?_10084233)_(10085286_?)del

Gene: FANCD2 (FA complementation group D2; plus strand). Cytogenetic location: 3p25.3.
Variant type: Deletion.
Identifiers: ClinVar variation 1067968 (VCV001067968.6).

ClinVar aggregate classification (germline): Likely pathogenic (1 of 4 stars; one submission).

Conditions:
Fanconi anemia (FA). Also called: Fanconi's anemia. Identifiers: Orphanet 84, MedGen C0015625, MeSH D005199, MONDO:0019391.

Submission:

Labcorp Genetics (formerly Invitae), Labcorp
Classification: Likely pathogenic for Fanconi anemia. Last evaluated: 2021-08-04. Review status: criteria provided, single submitter. Criteria: Invitae Variant Classification Sherloc (09022015). Collection method: clinical testing. Allele origin: germline.
Comment: This variant is a gross deletion of the genomic region encompassing exon(s) 11-13 of the FANCD2 gene. This variant would be expected to be in-frame, preserving the integrity of the reading frame. This variant has not been reported in the literature in individuals affected with FANCD2-related conditions. Experimental studies and prediction algorithms are not available or were not evaluated, and the functional significance of this variant is currently unknown. This variant disrupts the p.Arg302 amino acid residue in FANCD2. Other variant(s) that disrupt this residue have been determined to be pathogenic (PMID: 11239453, 17308347, 22720145, 22828868, 25703294). This suggests that this residue is clinically significant, and that variants that disrupt this residue are likely to be disease-causing. In summary, the currently available evidence indicates that the variant is pathogenic, but additional data are needed to prove that conclusively. Therefore, this variant has been classified as Likely Pathogenic.

Literature cited by the submitters: PubMed 11239453; PubMed 17308347; PubMed 22720145; PubMed 22828868; PubMed 25703294.